The following is an entry in ClinVar:

ClinVar aggregate classification (germline): Uncertain significance. Review status: criteria provided, multiple submitters, no conflicts (2 of 4 stars). 3 submissions from 3 submitters: Uncertain significance (3). Last evaluated 2025-02-20.

Conditions:
CREBBP-related disorder. Also called: CREBBP-related disorders; CREBBP-related condition.
Rubinstein-Taybi syndrome (RSTS). Identifiers: Orphanet 783, MedGen C0035934, MONDO:0019188.

gnomAD v4.1: 4 of 1,614,118 alleles (0.00025%); highest among the groups gnomAD compares: Non-Finnish European, 0.00025%; no homozygotes.

Submissions (3):

PreventionGenetics, part of Exact Sciences
Classification: Uncertain significance for CREBBP-related condition. Last evaluated: 2025-02-20. Review status: criteria provided, single submitter. Criteria: ACMG Guidelines, 2015. Collection method: clinical testing. Allele origin: germline.
Comment: The CREBBP c.2917C>A variant is predicted to result in the amino acid substitution p.Pro973Thr. To our knowledge, this variant has not been reported in the literature or in a large population database (gnomAD), indicating this variant is rare. At this time, the clinical significance of this variant is uncertain due to the absence of conclusive functional and genetic evidence.

Labcorp Genetics (formerly Invitae), Labcorp
Classification: Uncertain significance for Rubinstein-Taybi syndrome. Last evaluated: 2023-09-04. Review status: criteria provided, single submitter. Criteria: Invitae Variant Classification Sherloc (09022015). Collection method: clinical testing. Allele origin: germline.
Comment: This variant has not been reported in the literature in individuals affected with CREBBP-related conditions. In summary, the available evidence is currently insufficient to determine the role of this variant in disease. Therefore, it has been classified as a Variant of Uncertain Significance. Advanced modeling of protein sequence and biophysical properties (such as structural, functional, and spatial information, amino acid conservation, physicochemical variation, residue mobility, and thermodynamic stability) performed at Invitae indicates that this missense variant is not expected to disrupt CREBBP protein function. This variant is not present in population databases (gnomAD no frequency). This sequence change replaces proline, which is neutral and non-polar, with threonine, which is neutral and polar, at codon 973 of the CREBBP protein (p.Pro973Thr).

Blueprint Genetics
Classification: Uncertain significance. Last evaluated: 2020-07-31. Review status: criteria provided, single submitter. Criteria: ACMG Guidelines, 2015. Collection method: clinical testing. Allele origin: germline.

NM_004380.3(CREBBP):c.2917C>A (p.Pro973Thr)

Gene: CREBBP (CREB binding lysine acetyltransferase; minus strand). Cytogenetic location: 16p13.3.
Variant type: single nucleotide variant.
Coding change: c.2917C>A on transcript NM_004380.3 (MANE Select); coding-DNA position 2917, C replaced by A.
Protein change: p.Pro973Thr; replaces proline 973 with threonine.
Molecular consequence: missense variant.
Genome position (GRCh38, 1-based): chr16:3,769,317, G>T on the plus strand (C>A on the coding strand, the complement: CREBBP is on the minus strand). VCF-style: chr16-3769317-G-T. GRCh37 (hg19) VCF-style: chr16-3819318-G-T.
Other names: c.2917C>A (NM_004380.2); c.2803C>A, p.Pro935Thr (NM_001079846.1); short protein forms P973T, P935T.
Identifiers: ClinVar variation 2725945 (VCV002725945.5), dbSNP rs2052941393, ClinGen allele CA394549864.